The following is an entry in ClinVar:

NM_001849.4(COL6A2):c.2977C>G (p.Arg993Gly)

Gene: COL6A2 (collagen type VI alpha 2 chain; plus strand). Cytogenetic location: 21q22.3.
Variant type: single nucleotide variant.
Coding change: c.2977C>G on transcript NM_001849.4 (MANE Select); coding-DNA position 2977, C replaced by G.
Protein change: p.Arg993Gly; replaces arginine 993 with glycine.
Molecular consequence: missense variant.
Genome position (GRCh38, 1-based): chr21:46,132,469, C>G. VCF-style: chr21-46132469-C-G. GRCh37 (hg19) VCF-style: chr21-47552383-C-G.
Other names: short protein forms R993G.
Identifiers: ClinVar variation 2853884 (VCV002853884.3), dbSNP rs532656197, ClinGen allele CA10073122.

ClinVar aggregate classification (germline): Uncertain significance (1 of 4 stars; one submission).

Conditions:
Bethlem myopathy 1A. Also called: Bethlem myopathy 1; MYOPATHY, BENIGN CONGENITAL, WITH CONTRACTURES; Bethlem Muscular Dystrophy. Identifiers: Orphanet 610, MedGen CN029274, MONDO:0024530, OMIM 158810.

gnomAD v4.1: 10 of 1,606,156 alleles (0.00062%); highest among the groups gnomAD compares: Middle Eastern, 0.017%; no homozygotes.

Submission:

Labcorp Genetics (formerly Invitae), Labcorp
Classification: Uncertain significance for Bethlem myopathy 1A. Last evaluated: 2022-12-29. Review status: criteria provided, single submitter. Criteria: Invitae Variant Classification Sherloc (09022015). Collection method: clinical testing. Allele origin: germline.
Comment: In summary, the available evidence is currently insufficient to determine the role of this variant in disease. Therefore, it has been classified as a Variant of Uncertain Significance. Advanced modeling of protein sequence and biophysical properties (such as structural, functional, and spatial information, amino acid conservation, physicochemical variation, residue mobility, and thermodynamic stability) performed at Invitae indicates that this missense variant is expected to disrupt COL6A2 protein function. This variant has not been reported in the literature in individuals affected with COL6A2-related conditions. This variant is present in population databases (rs532656197, gnomAD 0.0009%). This sequence change replaces arginine, which is basic and polar, with glycine, which is neutral and non-polar, at codon 993 of the COL6A2 protein (p.Arg993Gly).